The following is an entry in ClinVar:

NM_005271.5(GLUD1):c.1628T>C (p.Ile543Thr)

Gene: GLUD1 (glutamate dehydrogenase 1; minus strand). Cytogenetic location: 10q23.2.
Variant type: single nucleotide variant.
Coding change: c.1628T>C on transcript NM_005271.5 (MANE Select); coding-DNA position 1628, T replaced by C.
Protein change: p.Ile543Thr; replaces isoleucine 543 with threonine.
Molecular consequence: missense variant.
Genome position (GRCh38, 1-based): chr10:87,051,800, A>G on the plus strand (T>C on the coding strand, the complement: GLUD1 is on the minus strand). VCF-style: chr10-87051800-A-G. GRCh37 (hg19) VCF-style: chr10-88811557-A-G.
Other names: c.1229T>C, p.Ile410Thr (NM_001318900.1); c.1127T>C, p.Ile376Thr (NM_001318901.1, NM_001318902.1, NM_001318904.2 and 2 more transcripts); short protein forms I376T, I410T, I543T.
Identifiers: ClinVar variation 3718463 (VCV003718463.2).

ClinVar aggregate classification (germline): Uncertain significance (1 of 4 stars; one submission).

Conditions:
Hyperinsulinism-hyperammonemia syndrome (HHF6). Identifiers: Orphanet 35878, MedGen C1847555, MONDO:0011717, OMIM 606762.

gnomAD v4.1: 1 of 1,613,616 alleles (0.000062%); highest among the groups gnomAD compares: Admixed American, 0.0017%; no homozygotes.

Submission:

Labcorp Genetics (formerly Invitae), Labcorp
Classification: Uncertain significance for Hyperinsulinism-hyperammonemia syndrome. Last evaluated: 2024-03-01. Review status: criteria provided, single submitter. Criteria: Invitae Variant Classification Sherloc (09022015). Collection method: clinical testing. Allele origin: germline.
Comment: This sequence change replaces isoleucine, which is neutral and non-polar, with threonine, which is neutral and polar, at codon 543 of the GLUD1 protein (p.Ile543Thr). This variant is not present in population databases (gnomAD no frequency). This variant has not been reported in the literature in individuals affected with GLUD1-related conditions. Advanced modeling of protein sequence and biophysical properties (such as structural, functional, and spatial information, amino acid conservation, physicochemical variation, residue mobility, and thermodynamic stability) performed at Invitae indicates that this missense variant is not expected to disrupt GLUD1 protein function with a negative predictive value of 80%. In summary, the available evidence is currently insufficient to determine the role of this variant in disease. Therefore, it has been classified as a Variant of Uncertain Significance.